The following is an entry in ClinVar:

NM_000057.4(BLM):c.1376C>T (p.Pro459Leu)

Gene: BLM (BLM RecQ like helicase; plus strand). Cytogenetic location: 15q26.1.
Variant type: single nucleotide variant.
Coding change: c.1376C>T on transcript NM_000057.4 (MANE Select); coding-DNA position 1376, C replaced by T.
Protein change: p.Pro459Leu; replaces proline 459 with leucine.
Molecular consequence: missense variant.
Genome position (GRCh38, 1-based): chr15:90,760,749, C>T. VCF-style: chr15-90760749-C-T. GRCh37 (hg19) VCF-style: chr15-91303979-C-T.
Other names: c.1376C>T, p.Pro459Leu (NM_001287246.2, NM_001287247.2); c.251C>T, p.Pro84Leu (NM_001287248.2); c.1376C>T (NM_000057.3); short protein forms P459L, P84L.
Identifiers: ClinVar variation 1771171 (VCV001771171.3), dbSNP rs1302320494, ClinGen allele CA393842932.

ClinVar aggregate classification (germline): Uncertain significance. Review status: criteria provided, single submitter (1 of 4 stars). 2 submissions from 2 submitters: Uncertain significance (1). 1 of the submissions does not count toward it. Last evaluated 2021-06-30.

Conditions:
Hereditary cancer-predisposing syndrome. Also called: Hereditary Cancer Syndrome; Hereditary neoplastic syndrome; Neoplastic Syndromes, Hereditary; Tumor predisposition. Identifiers: Orphanet 140162, MedGen C0027672, MeSH D009386, MONDO:0015356.
Bloom syndrome (BLM). Also called: Bloom-Torre-Machacek syndrome. Identifiers: Orphanet 125, MedGen C0005859, MONDO:0008876, OMIM 210900.

Allele frequency attached by ClinVar (database versions not stated): gnomAD exomes below 0.00001.
gnomAD v4.1: 1 of 1,614,092 alleles (0.000062%); highest among the groups gnomAD compares: African/African-American, 0.0013%; no homozygotes.

Submissions (2):

Ambry Genetics
Classification: Uncertain significance for Hereditary cancer-predisposing syndrome. Last evaluated: 2021-06-30. Review status: criteria provided, single submitter. Criteria: Ambry Variant Classification Scheme 2023. Collection method: clinical testing. Allele origin: germline.
Comment: The p.P459L variant (also known as c.1376C>T), located in coding exon 6 of the BLM gene, results from a C to T substitution at nucleotide position 1376. The proline at codon 459 is replaced by leucine, an amino acid with similar properties. This amino acid position is conserved. In addition, this alteration is predicted to be tolerated by in silico analysis. Since supporting evidence is limited at this time, the clinical significance of this alteration remains unclear.

Natera, Inc.
Classification: Uncertain significance for Bloom syndrome. Last evaluated: 2025-02-21. Review status: no assertion criteria provided. Collection method: clinical testing. Allele origin: germline. Not counted in ClinVar's aggregate classification.